The following is an entry in ClinVar:

ClinVar aggregate classification (germline): Likely benign (1 of 4 stars; one submission).

gnomAD v4.1: 72 of 906,484 alleles (0.0079%); highest among the groups gnomAD compares: African/African-American, 0.068%; no homozygotes.

Submission:

Mayo Clinic Laboratories, Mayo Clinic
Classification: Likely benign. Last evaluated: 2025-02-11. Review status: criteria provided, single submitter. Criteria: ACMG Guidelines, 2015. Collection method: clinical testing. Allele origin: germline. Observed: 1 variant allele.
Comment: BP4, BP7, PM2_supporting

NM_006363.6(SEC23B):c.2214+108C>T

Gene: SEC23B (SEC23 homolog B, COPII component; plus strand). Cytogenetic location: 20p11.23.
Variant type: single nucleotide variant.
Coding change: c.2214+108C>T on transcript NM_006363.6 (MANE Select); 108 bases into the intron after coding-DNA position 2214, C replaced by T.
Molecular consequence: intron variant.
Genome position (GRCh38, 1-based): chr20:18,555,281, C>T. VCF-style: chr20-18555281-C-T. GRCh37 (hg19) VCF-style: chr20-18535925-C-T.
Other names: p.?; c.2214+108C>T (NM_032986.5, NM_001172745.3, NM_032985.6); c.2160+108C>T (NM_001172746.3).
Identifiers: ClinVar variation 4684413 (VCV004684413.1).